The following is an entry in ClinVar:

ClinVar aggregate classification (germline): Uncertain significance (1 of 4 stars; one submission).

Conditions:
Bethlem myopathy 1A. Also called: Bethlem myopathy 1; Bethlem Muscular Dystrophy; MYOPATHY, BENIGN CONGENITAL, WITH CONTRACTURES. Identifiers: Orphanet 610, MedGen CN029274, MONDO:0024530, OMIM 158810.

gnomAD v4.1: 1 of 1,614,170 alleles (0.000062%); no homozygotes.

Submission:

Labcorp Genetics (formerly Invitae), Labcorp
Classification: Uncertain significance for Bethlem myopathy 1A. Last evaluated: 2026-01-26. Review status: criteria provided, single submitter. Criteria: Invitae Variant Classification Sherloc (09022015). Collection method: clinical testing. Allele origin: germline.
Comment: This sequence change replaces serine, which is neutral and polar, with threonine, which is neutral and polar, at codon 2373 of the COL6A3 protein (p.Ser2373Thr). This variant is not present in population databases (gnomAD no frequency). This variant has not been reported in the literature in individuals affected with COL6A3-related conditions. Invitae Evidence Modeling of protein sequence and biophysical properties (such as structural, functional, and spatial information, amino acid conservation, physicochemical variation, residue mobility, and thermodynamic stability) indicates that this missense variant is expected to disrupt COL6A3 protein function with a positive predictive value of 80%. In summary, the available evidence is currently insufficient to determine the role of this variant in disease. Therefore, it has been classified as a Variant of Uncertain Significance.

NM_004369.4(COL6A3):c.7117T>A (p.Ser2373Thr)

Gene: COL6A3 (collagen type VI alpha 3 chain; minus strand). Cytogenetic location: 2q37.3.
Variant type: single nucleotide variant.
Coding change: c.7117T>A on transcript NM_004369.4 (MANE Select); coding-DNA position 7117, T replaced by A.
Protein change: p.Ser2373Thr; replaces serine 2373 with threonine.
Molecular consequence: missense variant.
Genome position (GRCh38, 1-based): chr2:237,345,189, A>T on the plus strand (T>A on the coding strand, the complement: COL6A3 is on the minus strand). VCF-style: chr2-237345189-A-T. GRCh37 (hg19) VCF-style: chr2-238253832-A-T.
Other names: c.5296T>A, p.Ser1766Thr (NM_057166.5); c.6499T>A, p.Ser2167Thr (NM_057167.4); short protein forms S2373T, S1766T, S2167T.
Identifiers: ClinVar variation 4770762 (VCV004770762.1).
Genomic context (GRCh38, chr2:237,345,189, plus strand): 5'-CAAATCAAAGGCTCATGAGGTTAATGAGTCATTCTGGACACATGCAACTTACATCGATGG[A>T]GTCGCCCCTGTTGCCCTTGGGACCCTGTAAAACCAAGGAACGAAAGGTGAGAGGCACAGC-3'
Protein context (NP_004360.2, residues 2363-2383): PAGPKGNRGD[Ser2373Thr]IDQCALIQSI